The following is an entry in ClinVar:

NM_003239.5(TGFB3):c.854C>G (p.Pro285Arg)

Gene: TGFB3 (transforming growth factor beta 3; minus strand). Cytogenetic location: 14q24.3.
Variant type: single nucleotide variant.
Coding change: c.854C>G on transcript NM_003239.5 (MANE Select); coding-DNA position 854, C replaced by G.
Protein change: p.Pro285Arg; replaces proline 285 with arginine.
Molecular consequence: missense variant.
Genome position (GRCh38, 1-based): chr14:75,963,388, G>C on the plus strand (C>G on the coding strand, the complement: TGFB3 is on the minus strand). VCF-style: chr14-75963388-G-C. GRCh37 (hg19) VCF-style: chr14-76429731-G-C.
Other names: c.854C>G, p.Pro285Arg (NM_001329938.2, NM_001329939.2); short protein forms P285R.
Identifiers: ClinVar variation 1763807 (VCV001763807.4), dbSNP rs1288935716, ClinGen allele CA390468373.

ClinVar aggregate classification (germline): Uncertain significance. Review status: criteria provided, multiple submitters, no conflicts (2 of 4 stars). 2 submissions from 2 submitters: Uncertain significance (2). Last evaluated 2025-04-13.

Conditions:
Rienhoff syndrome. Also called: LOEYS-DIETZ SYNDROME 5. Identifiers: MedGen C3810012, MONDO:0014262, OMIM 615582.
Familial thoracic aortic aneurysm and aortic dissection (TAAD). Also called: Thoracic aortic aneurysms and dissections. Identifiers: Orphanet 91387, MedGen C4707243, MONDO:0019625.

Allele frequency attached by ClinVar (database versions not stated): TOPMed below 0.00001; gnomAD 0.00001.
gnomAD v4.1: 3 of 1,614,082 alleles (0.00019%); highest among the groups gnomAD compares: Non-Finnish European, 0.00025%; no homozygotes.

Submissions (2):

Labcorp Genetics (formerly Invitae), Labcorp
Classification: Uncertain significance for Rienhoff syndrome. Last evaluated: 2025-04-13. Review status: criteria provided, single submitter. Criteria: Invitae Variant Classification Sherloc (09022015). Collection method: clinical testing. Allele origin: germline.
Comment: This sequence change replaces proline, which is neutral and non-polar, with arginine, which is basic and polar, at codon 285 of the TGFB3 protein (p.Pro285Arg). This variant is present in population databases (no rsID available, gnomAD 0.007%). This variant has not been reported in the literature in individuals affected with TGFB3-related conditions. ClinVar contains an entry for this variant (Variation ID: 1763807). Invitae Evidence Modeling of protein sequence and biophysical properties (such as structural, functional, and spatial information, amino acid conservation, physicochemical variation, residue mobility, and thermodynamic stability) indicates that this missense variant is not expected to disrupt TGFB3 protein function with a negative predictive value of 80%. In summary, the available evidence is currently insufficient to determine the role of this variant in disease. Therefore, it has been classified as a Variant of Uncertain Significance.

Ambry Genetics
Classification: Uncertain significance for Familial thoracic aortic aneurysm and aortic dissection. Last evaluated: 2025-01-16. Review status: criteria provided, single submitter. Criteria: Ambry Variant Classification Scheme 2023. Collection method: clinical testing. Allele origin: germline.
Comment: The p.P285R variant (also known as c.854C>G), located in coding exon 5 of the TGFB3 gene, results from a C to G substitution at nucleotide position 854. The proline at codon 285 is replaced by arginine, an amino acid with dissimilar properties. This amino acid position is conserved. In addition, this alteration is predicted to be tolerated by in silico analysis. Since supporting evidence is limited at this time, the clinical significance of this alteration remains unclear.